The following is an entry in ClinVar:

ClinVar aggregate classification (germline): Pathogenic. Review status: reviewed by expert panel (3 of 4 stars). 20 submissions from 20 submitters: Pathogenic (1). 19 of the submissions do not count toward it. Last evaluated 2021-09-07.

Conditions:
GAA-related disorders.
GAA-related disorder. Also called: GAA-related condition.
Glycogen storage disease, type II (IOPD). Also called: Glycogen storage disease type 2; Acid maltase deficiency disease; Aglucosidase alfa; Deficiency of alpha-glucosidase; Deficiency of lysosomal alpha-glucosidase; CARDIOMEGALIA GLYCOGENICA DIFFUSA. Identifiers: Orphanet 365, MedGen C0017921, MONDO:0009290, OMIM 232300.
Glycogen storage disease due to acid maltase deficiency, late-onset (LOPD). Also called: POMPE DISEASE, LATE-ONSET; GLYCOGEN STORAGE DISEASE II, LATE-ONSET; ACID ALPHA-GLUCOSIDASE DEFICIENCY, LATE-ONSET; GAA DEFICIENCY, LATE-ONSET; ACID MALTASE DEFICIENCY, LATE-ONSET; AMD, LATE-ONSET. Identifiers: Orphanet 420429, MedGen C0342753, MONDO:0018485, OMIM 621314.
Cardiovascular phenotype. Identifiers: MedGen CN230736.

Allele frequency attached by ClinVar (database versions not stated): gnomAD 0.00004; TOPMed 0.00015.
gnomAD v4.1: 28 of 1,610,618 alleles (0.0017%); highest among the groups gnomAD compares: East Asian, 0.062%; no homozygotes.

Submissions 1 to 6 of 20:

ClinGen Lysosomal Storage Disorder Variant Curation Expert Panel
Classification: Pathogenic for Glycogen storage disease, type II. Last evaluated: 2021-09-07. Review status: reviewed by expert panel. Criteria: clingen_lsd_acmg_specifications_v2-1. Collection method: curation. Allele origin: germline. Inheritance: Autosomal recessive inheritance.
Comment: The NM_000152.5:c.1935C>A variant in GAA is a missense variant predicted to cause substitution of aspartate by glutamate at amino acid 645 (p.Asp645Glu). At least 50 individuals with this variant have been reported with GAA activity in the affected range for Pompe disease in fibroblasts, lymphocytes, or dried blood spots (PMID: 8094613, 9554747, 18458862). This variant is reported to be the most common variant identified in patients with infantile onset Pompe disease from China, Taiwan, and Thailand (PMID 9554747, 18458862, 21039225, 31342611), although it has also been reported in other populations (PMID: 8094613). It has been found to be associated with a specific haplotype, which includes the pseudodeficiency variant, indicating that it is a founder variant (PMID: 9554747). However, other studies have not found an association with this specific haplotype (PMID: 8094613, 18458862) (PP4_Moderate). This variant was found in compound heterozygosity with a pathogenic variant in 5 patients (PMID: 8094613, 9554747, 18458862, 28394184), as well as over 30 homozygotes (PMID: 9554747, 18458862, 28394184). More data is available in the literature but the maximum amount of evidence required for PM3_Strong has been reached. The highest population minor allele frequency in gnomAD is 0.001729 in the East Asian population. This is higher than the ClinGen LSD VCEP threshold (<0.001) for PM2, and therefore does not meet this criterion. The computational predictor REVEL gives a score of 0.8, which is above the threshold of 0.7, evidence that correlates with impact to GAA function (PP3). Measurement of GAA activity in COS cells transfected with the variant showed <10% normal GAA activity indicating that this variant impacts protein function (PMID: 8094613, 19862843). In addition, little to no mature 76 kDa protein was detected by pulse-chase analysis, suggesting abnormal synthesis and/or processing of the protein (PMID: 8094613) (PS3_Moderate). Another missense variant, c.1933G>A (p.Asp645Asn) (ClinVar Variation ID: 188728) in the same codon has been classified as pathogenic for Pompe disease by the ClinGen Lysosomal Storage Disorders VCEP (PM5). There is a ClinVar entry for this variant (Variation ID 4029; 2 star review status) with seven laboratory submitters classifying the variant as pathogenic. In summary, this variant meets the criteria to be classified as pathogenic for Pompe disease. GAA-specific ACMG/AMP criteria met, based on the specifications of the ClinGen LSD VCEP (Specifications Version 2.0): PM3_Very Strong, PM5, PS3_Moderate, PP4_Moderate, PP3. (Classification approved on August 17, 2021)

Genomenon, Inc
Classification: Pathogenic for Glycogen storage disease, type II. Last evaluated: 2026-07-01. Review status: criteria provided, single submitter. Criteria: Genomenon Sequence Variant Interpretation Standards - Updated. Collection method: curation. Allele origin: germline. Affected: yes. Not counted in ClinVar's aggregate classification.
Comment: GAA p.Asp645Glu (c.1935C>A) is a missense variant that changes the amino acid at codon 645 from Aspartic acid to Glutamic acid. This variant has been observed in at least one proband with a GAA-related disorder in the compound heterozygous and/or homozygous state (PMID:39835171;38162137;37542277;37539106;36542086;36137614;35833019;35264382;35071497;31953985;31510962). At least one functional study has demonstrated a substantial alteration in protein function relative to the wild-type (PMID:19862843;8094613). In silico models predict that this variant is possibly or probably damaging. In conclusion, we classify GAA p.Asp645Glu (c.1935C>A) as a pathogenic variant.

Labcorp Genetics (formerly Invitae), Labcorp
Classification: Pathogenic for Glycogen storage disease, type II. Last evaluated: 2025-12-29. Review status: criteria provided, single submitter. Criteria: Invitae Variant Classification Sherloc (09022015). Collection method: clinical testing. Allele origin: germline. Not counted in ClinVar's aggregate classification.
Comment: This sequence change replaces aspartic acid, which is acidic and polar, with glutamic acid, which is acidic and polar, at codon 645 of the GAA protein (p.Asp645Glu). This variant is present in population databases (rs28940868, gnomAD 0.2%). This missense change has been observed in individual(s) with glycogen storage disease type II (PMID: 10338092, 21039225, 21232767, 21439876, 21757382, 24269976). In at least one individual the data is consistent with being in trans (on the opposite chromosome) from a pathogenic variant. It is commonly reported in individuals of China, Taiwan and Thailand ancestry (PMID: 10338092, 21039225, 21232767, 21439876, 21757382, 24269976). ClinVar contains an entry for this variant (Variation ID: 4029). Invitae Evidence Modeling of protein sequence and biophysical properties (such as structural, functional, and spatial information, amino acid conservation, physicochemical variation, residue mobility, and thermodynamic stability) indicates that this missense variant is expected to disrupt GAA protein function with a positive predictive value of 95%. Experimental studies have shown that this missense change affects GAA function (PMID: 8094613). This variant disrupts the p.Asp645 amino acid residue in GAA. Other variant(s) that disrupt this residue have been determined to be pathogenic (PMID: 9535769, 15145338, 17723315, 20830524). This suggests that this residue is clinically significant, and that variants that disrupt this residue are likely to be disease-causing. For these reasons, this variant has been classified as Pathogenic.

Medical Genetic Diagnosis and Therapy Center, Fujian Medical University
Classification: Pathogenic for Glycogen storage disease, type II. Last evaluated: 2025-10-27. Review status: criteria provided, single submitter. Criteria: ACMG Guidelines, 2015. Collection method: clinical testing. Allele origin: germline. Affected: yes. Not counted in ClinVar's aggregate classification.
Comment: P: PM3_VS+PM1+PM5+PS3_M+PP4_M+PP3+PM2_P. This variant has been reported in the following publication(s): [1] Hermans M M P, de GRAAFF E, Kroos M A, et al. The conservative substitution Asp-645→ Glu in lysosomal α-glucosidase affects transport and phosphorylation of the enzyme in an adult patient with glycogen-storage disease type II[J]. Biochemical Journal, 1993, 289(3): 687-693. [2] Chen X, Liu T, Huang M, et al. Clinical and molecular characterization of infantile-onset Pompe disease in mainland Chinese patients: identification of two common mutations[J]. Genetic Testing and Molecular Biomarkers, 2017, 21(6): 391-396.

3billion
Classification: Pathogenic for Glycogen storage disease, type II. Last evaluated: 2025-10-02. Review status: criteria provided, single submitter. Criteria: ACMG Guidelines, 2015. Collection method: clinical testing. Allele origin: germline. Affected: yes. Not counted in ClinVar's aggregate classification.
Comment: The variant is observed at an extremely low frequency in the gnomAD v4.1.0 dataset (total allele frequency: 0.002%). Predicted Consequence/Location: Missense variant Functional studies provide moderate evidence of the variant having a damaging effect on the gene or gene product (PMID: 8094613). In silico tool predictions suggest damaging effect of the variant on gene or gene product [REVEL: 0.80 (>=0.6, sensitivity 0.68 and specificity 0.92); 3Cnet: 0.99 (> 0.75, sensitivity 0.96 and precision 0.92)]. The same nucleotide change resulting in the same amino acid change has been previously reported as pathogenic/likely pathogenic with strong evidence (ClinVar ID: VCV000004029 /PMID: 8094613). The variant has been reported to be in trans with a pathogenic variant as either compound heterozygous or homozygous in at least 4 similarly affected unrelated individuals (PMID: 18458862, 28394184, 9554747). Different missense changes at the same codon (p.Asp645Asn, p.Asp645Gly, p.Asp645His, p.Asp645Tyr) have been reported as pathogenic/likely pathogenic with strong evidence (ClinVar ID: VCV000188728, VCV000189013, VCV000556386, VCV003634758 /PMID: 17616415, 7695647, 9535769). Therefore, this variant is classified as Pathogenic according to the recommendation of ACMG/AMP guideline.

Revvity Omics, Revvity
Classification: Pathogenic. Last evaluated: 2025-05-27. Review status: criteria provided, single submitter. Criteria: ACMG Guidelines, 2015. Collection method: clinical testing. Allele origin: germline. Not counted in ClinVar's aggregate classification.

NM_000152.5(GAA):c.1935C>A (p.Asp645Glu)

Gene: GAA (alpha glucosidase; plus strand). Cytogenetic location: 17q25.3.
Variant type: single nucleotide variant.
Coding change: c.1935C>A on transcript NM_000152.5 (MANE Select); coding-DNA position 1935, C replaced by A.
Protein change: p.Asp645Glu; replaces aspartic acid 645 with glutamic acid.
Molecular consequence: missense variant.
Genome position (GRCh38, 1-based): chr17:80,112,922, C>A. VCF-style: chr17-80112922-C-A. GRCh37 (hg19) VCF-style: chr17-78086721-C-A.
Other names: c.1935C>A, p.Asp645Glu (NM_001079803.3, NM_001079804.3); short protein forms D645E.
Identifiers: ClinVar variation 4029 (VCV000004029.42), dbSNP rs28940868, ClinGen allele CA116610.
Genomic context (GRCh38, chr17:80,112,922, plus strand): 5'-CTCTGCCCTCCCAGAAATCCTGCAGTTTAACCTGCTGGGGGTGCCTCTGGTCGGGGCCGA[C>A]GTCTGCGGCTTCCTGGGCAACACCTCAGAGGAGCTGTGTGTGCGCTGGACCCAGCTGGGG-3'
Protein context (NP_000143.2, residues 635-655): NLLGVPLVGA[Asp645Glu]VCGFLGNTSE